The following is an entry in ClinVar:

ClinVar aggregate classification (germline): Uncertain significance (1 of 4 stars; one submission).

gnomAD v4.1: 10 of 1,613,148 alleles (0.00062%); highest among the groups gnomAD compares: Admixed American, 0.0017%; no homozygotes.

Submission:

Labcorp Genetics (formerly Invitae), Labcorp
Classification: Uncertain significance. Last evaluated: 2025-11-12. Review status: criteria provided, single submitter. Criteria: Invitae Variant Classification Sherloc (09022015). Collection method: clinical testing. Allele origin: germline.
Comment: This sequence change creates a premature translational stop signal (p.Arg385*) in the CREB3L3 gene. While this is not anticipated to result in nonsense mediated decay, it is expected to disrupt the last 77 amino acid(s) of the CREB3L3 protein. This variant is present in population databases (rs753953218, gnomAD 0.007%). This premature translational stop signal has been observed in individual(s) with dyslipidemia (PMID: 36325899). Experimental studies and prediction algorithms are not available or were not evaluated, and the functional significance of this variant is currently unknown. In summary, the available evidence is currently insufficient to determine the role of this variant in disease. Therefore, it has been classified as a Variant of Uncertain Significance.

Literature cited by the submitters: PubMed 36325899.

NM_032607.3(CREB3L3):c.1153C>T (p.Arg385Ter)

Genes: CREB3L3 (cAMP responsive element binding protein 3 like 3; plus strand), LOC125371455 (Sharpr-MPRA regulatory region 11650; plus strand). Cytogenetic location: 19p13.3.
Variant type: single nucleotide variant.
Coding change: c.1153C>T on transcript NM_032607.3 (MANE Select); coding-DNA position 1153, C replaced by T.
Protein change: p.Arg385Ter; replaces arginine 385 with a stop codon.
Molecular consequence: nonsense. On other transcripts: 3 prime UTR variant (1).
Genome position (GRCh38, 1-based): chr19:4,171,736, C>T. VCF-style: chr19-4171736-C-T. GRCh37 (hg19) VCF-style: chr19-4171733-C-T.
Other names: c.1150C>T, p.Arg384Ter (NM_001271995.2); c.1147C>T, p.Arg383Ter (NM_001271996.2); c.*32C>T (NM_001271997.2); short protein forms R384*, R383*, R385*.
Identifiers: ClinVar variation 4743257 (VCV004743257.1).